The following is an entry in ClinVar:

ClinVar aggregate classification (germline): Uncertain significance. Review status: criteria provided, multiple submitters, no conflicts (2 of 4 stars). 2 submissions from 2 submitters: Uncertain significance (2). Last evaluated 2025-04-24.

Conditions:
Inborn genetic diseases. Identifiers: MedGen C0950123, MeSH D030342.

gnomAD v4.1: 25 of 1,613,844 alleles (0.0015%); highest among the groups gnomAD compares: Non-Finnish European, 0.002%; no homozygotes.

Submissions (2):

GeneDx
Classification: Uncertain significance. Last evaluated: 2025-04-24. Review status: criteria provided, single submitter. Criteria: GeneDx Variant Classification Process June 2021. Collection method: clinical testing. Allele origin: germline. Affected: yes.
Comment: Not observed at significant frequency in large population cohorts (gnomAD); In silico analysis indicates that this missense variant does not alter protein structure/function; Has not been previously published as pathogenic or benign to our knowledge

Ambry Genetics
Classification: Uncertain significance for Inborn genetic diseases. Last evaluated: 2024-11-29. Review status: criteria provided, single submitter. Criteria: Ambry Variant Classification Scheme 2023. Collection method: clinical testing. Allele origin: germline.

NM_003477.3(PDHX):c.1059G>C (p.Glu353Asp)

Gene: PDHX (pyruvate dehydrogenase complex component X; plus strand). Cytogenetic location: 11p13.
Variant type: single nucleotide variant.
Coding change: c.1059G>C on transcript NM_003477.3 (MANE Select); coding-DNA position 1059, G replaced by C.
Protein change: p.Glu353Asp; replaces glutamic acid 353 with aspartic acid.
Molecular consequence: missense variant.
Genome position (GRCh38, 1-based): chr11:34,984,605, G>C. VCF-style: chr11-34984605-G-C. GRCh37 (hg19) VCF-style: chr11-35006152-G-C.
Other names: c.378G>C, p.Glu126Asp (NM_001166158.2); c.879G>C, p.Glu293Asp (NM_001135024.2); short protein forms E293D, E126D, E353D.
Identifiers: ClinVar variation 3416487 (VCV003416487.2).
Genomic context (GRCh38, chr11:34,984,605, plus strand): 5'-AACATTTTTCTTTTTCTATTTCTAGCAAATGCCAGATGTTAATGTAAGCTGGGATGGAGA[G>C]GGCCCAAAGCAACTGCCATTTATTGACATTTCAGTGGCTGTGGCAACAGATAAAGGCTTA-3'
Protein context (NP_003468.2, residues 343-363): MPDVNVSWDG[Glu353Asp]GPKQLPFIDI